The following is an entry in ClinVar:

NM_002460.4(IRF4):c.592T>G (p.Phe198Val)

Gene: IRF4 (interferon regulatory factor 4; plus strand). Cytogenetic location: 6p25.3.
Variant type: single nucleotide variant.
Coding change: c.592T>G on transcript NM_002460.4 (MANE Select); coding-DNA position 592, T replaced by G.
Protein change: p.Phe198Val; replaces phenylalanine 198 with valine.
Molecular consequence: missense variant. On other transcripts: non-coding transcript variant (1).
Genome position (GRCh38, 1-based): chr6:397,207, T>G. VCF-style: chr6-397207-T-G. GRCh37 (hg19) VCF-style: chr6-397207-T-G.
Other names: c.589T>G, p.Phe197Val (NM_001195286.2); short protein forms F197V, F198V.
Identifiers: ClinVar variation 1719116 (VCV001719116.5), dbSNP rs2480816833, ClinGen allele CA362547592.

ClinVar aggregate classification (germline): Uncertain significance (1 of 4 stars; one submission).

Submission:

Labcorp Genetics (formerly Invitae), Labcorp
Classification: Uncertain significance. Last evaluated: 2022-07-19. Review status: criteria provided, single submitter. Criteria: Invitae Variant Classification Sherloc (09022015). Collection method: clinical testing. Allele origin: germline.
Comment: In summary, the available evidence is currently insufficient to determine the role of this variant in disease. Therefore, it has been classified as a Variant of Uncertain Significance. Algorithms developed to predict the effect of missense changes on protein structure and function (SIFT, PolyPhen-2, Align-GVGD) all suggest that this variant is likely to be tolerated. This variant has not been reported in the literature in individuals affected with IRF4-related conditions. This variant is not present in population databases (gnomAD no frequency). This sequence change replaces phenylalanine, which is neutral and non-polar, with valine, which is neutral and non-polar, at codon 198 of the IRF4 protein (p.Phe198Val).